The following is an entry in ClinVar:

ClinVar aggregate classification (germline): Pathogenic/Likely pathogenic. Review status: criteria provided, multiple submitters, no conflicts (2 of 4 stars). 2 submissions from 2 submitters: Pathogenic (1); Likely pathogenic (1). Last evaluated 2025-08-06.

Conditions:
Charlevoix-Saguenay spastic ataxia (SACS). Also called: SPASTIC ATAXIA 6, AUTOSOMAL RECESSIVE; AUTOSOMAL RECESSIVE SPASTIC ATAXIA OF CHARLEVOIX-SAGUENAY; Spastic ataxia of Charlevoix-Saguenay. Identifiers: Orphanet 98, MedGen C1849140, MONDO:0010041, OMIM 270550.
Spastic paraplegia. Identifiers: MedGen C0037772, HP:0001258.

Submissions (2):

Natera, Inc.
Classification: Likely pathogenic for Charlevoix-Saguenay type spastic ataxia. Last evaluated: 2025-08-06. Review status: criteria provided, single submitter. Criteria: Natera Variant Classification Schema (03/2026). Collection method: clinical testing. Allele origin: germline.
Comment: The c.12736del variant in SACS is a frameshift variant predicted to shift the reading frame beginning at codon 4246 and leads to a stop codon 28 codons downstream. This variant is expected to result in nonsense mediated decay, truncation, or a dysfunctional protein product. This variant is rare in the general population with a frequency below the threshold expected for the associated phenotype(s). Given the available evidence, this variant is classified as Likely Pathogenic.

Labcorp Genetics (formerly Invitae), Labcorp
Classification: Pathogenic for Spastic paraplegia. Last evaluated: 2023-04-28. Review status: criteria provided, single submitter. Criteria: Invitae Variant Classification Sherloc (09022015). Collection method: clinical testing. Allele origin: germline.
Comment: For these reasons, this variant has been classified as Pathogenic. This variant disrupts a region of the SACS protein in which other variant(s) (p.Asn4549Asp) have been determined to be pathogenic (PMID: 15156359, 21507954). This suggests that this is a clinically significant region of the protein, and that variants that disrupt it are likely to be disease-causing. This variant has not been reported in the literature in individuals affected with SACS-related conditions. This variant is not present in population databases (gnomAD no frequency). This sequence change creates a premature translational stop signal (p.Ser4246Glnfs*28) in the SACS gene. While this is not anticipated to result in nonsense mediated decay, it is expected to disrupt the last 334 amino acid(s) of the SACS protein.

Literature cited by the submitters: PubMed 15156359 (cited by Labcorp Genetics (formerly Invitae), Labcorp); PubMed 21507954 (cited by Labcorp Genetics (formerly Invitae), Labcorp).

NM_014363.6(SACS):c.12736del (p.Ser4246fs)

Gene: SACS (sacsin molecular chaperone; minus strand). Cytogenetic location: 13q12.12.
Variant type: Deletion.
Coding change: c.12736del on transcript NM_014363.6 (MANE Select); coding-DNA position 12736, one base deleted (T; older notation c.12736delT).
Protein change: p.Ser4246fs; shifts the reading frame from serine 4246.
Molecular consequence: frameshift variant.
Genome position (GRCh38, 1-based): chr13:23,331,140, A deleted on the plus strand (T on the coding strand, the reverse complement: SACS is on the minus strand); the first of 4 consecutive A bases (chr13:23,331,140-23,331,143); deleting any one gives the same sequence. VCF-style (leftmost placement, unchanged base first): chr13-23331139-GA-G. GRCh37 (hg19) VCF-style: chr13-23905278-GA-G.
Other names: c.12295del, p.Ser4099fs (NM_001278055.2); c.12736del (NM_014363.5); short protein forms S4246fs, S4099fs.
Identifiers: ClinVar variation 2860414 (VCV002860414.4), dbSNP rs2542150696, ClinGen allele CA2535597379.